The following is an entry in ClinVar:

NM_000276.4(OCRL):c.2469+4G>T

Gene: OCRL (OCRL inositol polyphosphate-5-phosphatase; plus strand). Cytogenetic location: Xq26.1.
Variant type: single nucleotide variant.
Coding change: c.2469+4G>T on transcript NM_000276.4 (MANE Select); 4 bases into the intron after coding-DNA position 2469, G replaced by T.
Molecular consequence: intron variant.
Genome position (GRCh38, 1-based): chrX:129,589,017, G>T. VCF-style: chrX-129589017-G-T. GRCh37 (hg19) VCF-style: chrX-128722994-G-T.
Other names: c.2472+4G>T (NM_001318784.2); c.2445+4G>T (NM_001587.4).
Identifiers: ClinVar variation 1927369 (VCV001927369.5), dbSNP rs1278110448, ClinGen allele CA644432388.

ClinVar aggregate classification (germline): Uncertain significance (1 of 4 stars; one submission).

Conditions:
Lowe syndrome (OCRL). Also called: Oculocerebrorenal Syndrome; LOWE OCULOCEREBRORENAL SYNDROME; PHOSPHATIDYLINOSITOL 4,5-BISPHOSPHATE 5-PHOSPHATASE DEFICIENCY. Identifiers: Orphanet 534, MedGen C0028860, MONDO:0010645, OMIM 309000.

Allele frequency attached by ClinVar (database versions not stated): gnomAD 0.00001; gnomAD exomes 0.00001; TOPMed 0.00002.
gnomAD v4.1: 9 of 1,209,664 alleles (0.00074%); highest among the groups gnomAD compares: African/African-American, 0.016%; no homozygotes.

Submission:

Labcorp Genetics (formerly Invitae), Labcorp
Classification: Uncertain significance for Lowe syndrome. Last evaluated: 2025-06-12. Review status: criteria provided, single submitter. Criteria: Invitae Variant Classification Sherloc (09022015). Collection method: clinical testing. Allele origin: germline.
Comment: This sequence change falls in intron 22 of the OCRL gene. It does not directly change the encoded amino acid sequence of the OCRL protein. It affects a nucleotide within the consensus splice site. The frequency data for this variant in the population databases is considered unreliable, as metrics indicate poor data quality at this position in the gnomAD database. This variant has not been reported in the literature in individuals affected with OCRL-related conditions. ClinVar contains an entry for this variant (Variation ID: 1927369). Variants that disrupt the consensus splice site are a relatively common cause of aberrant splicing (PMID: 17576681, 9536098). Algorithms developed to predict the effect of sequence changes on RNA splicing suggest that this variant may disrupt the consensus splice site. In summary, the available evidence is currently insufficient to determine the role of this variant in disease. Therefore, it has been classified as a Variant of Uncertain Significance.

Literature cited by the submitters: PubMed 17576681; PubMed 9536098.